The following is an entry in ClinVar:

ClinVar aggregate classification (germline): other (0 of 4 stars; one submission).

Conditions:
Familial colorectal cancer. Identifiers: MedGen CN280943, MONDO:0023113. Disease mechanism: loss of function.

Submission:

Systems Biology Platform Zhejiang California International NanoSystems Institute
Classification: other for Familial colorectal cancer. Review status: no assertion criteria provided. Collection method: not provided. Allele origin: unknown.
ClinVar note: Converted during submission from cancer to other.

NM_001127511.3(APC):c.165+20821G>A

Gene: APC (APC regulator of Wnt signaling pathway; plus strand). Cytogenetic location: 5q22.2.
Variant type: single nucleotide variant.
Coding change: c.165+20821G>A on transcript NM_001127511.3; 20821 bases into the intron after coding-DNA position 165, G replaced by A.
Molecular consequence: intron variant.
Genome position (GRCh38, 1-based): chr5:112,728,703, G>A. VCF-style: chr5-112728703-G-A. GRCh37 (hg19) VCF-style: chr5-112064400-G-A.
Other names: c.-1054+20821G>A (NM_001407470.1, NM_001407472.1); c.-19+20821G>A (NM_001407447.1, NM_001354895.2, NM_001407456.1 and 3 more transcripts); c.165+20821G>A (NM_001407446.1, NM_001354897.2, NM_001354902.2); c.-19+21054G>A (NM_001407448.1, NM_001407450.1, NM_001407457.1 and 1 more transcripts); c.-43+21054G>A (NM_001407453.1).
Identifiers: ClinVar variation 82709 (VCV000082709.4), dbSNP rs78535580, ClinGen allele CA023511.